The following is an entry in ClinVar:

ClinVar aggregate classification (germline): Pathogenic (1 of 4 stars; one submission).

Conditions:
Jeune thoracic dystrophy. Also called: Jeune's syndrome; Chondroectodermal dysplasia-like syndrome; Short-rib thoracic dysplasia; Jeune syndrome; Infantile thoracic dystrophy; Thoracic pelvic phalangeal dystrophy. Identifiers: Orphanet 474, MedGen C0265275, MONDO:0018770.

Submission:

Labcorp Genetics (formerly Invitae), Labcorp
Classification: Pathogenic for Jeune thoracic dystrophy. Last evaluated: 2023-11-19. Review status: criteria provided, single submitter. Criteria: Invitae Variant Classification Sherloc (09022015). Collection method: clinical testing. Allele origin: unknown.
Comment: This variant is a gross deletion of the genomic region encompassing exon(s) 77-90 of the DYNC2H1 gene, which includes the termination codon. This deletion extends beyond the assayed region for this gene and therefore may encompass additional genes. While this deletion is not anticipated to lead to nonsense mediated decay, it is expected to alter mRNA translation or result in a truncated protein product. This variant has not been reported in the literature in individuals affected with DYNC2H1-related conditions. This variant disrupts a region of the DYNC2H1 protein in which other variant(s) (p.Arg4284Gly) have been determined to be pathogenic (PMID: 29068549). This suggests that this is a clinically significant region of the protein, and that variants that disrupt it are likely to be disease-causing. For these reasons, this variant has been classified as Pathogenic.

Literature cited by the submitters: PubMed 29068549.

NC_000011.9:g.(?_103173802)_(103349981_?)del

Gene: DYNC2H1 (dynein cytoplasmic 2 heavy chain 1; plus strand). Cytogenetic location: 11q22.3.
Variant type: Deletion.
Identifiers: ClinVar variation 3244570 (VCV003244570.1).